The following is an entry in ClinVar:

NM_201548.5(CERKL):c.934G>A (p.Ala312Thr)

Gene: CERKL (CERK like autophagy regulator; minus strand). Cytogenetic location: 2q31.3.
Variant type: single nucleotide variant.
Coding change: c.934G>A on transcript NM_201548.5 (MANE Select); coding-DNA position 934, G replaced by A.
Protein change: p.Ala312Thr; replaces alanine 312 with threonine.
Molecular consequence: missense variant. On other transcripts: non-coding transcript variant (2).
Genome position (GRCh38, 1-based): chr2:181,548,819, C>T on the plus strand (G>A on the coding strand, the complement: CERKL is on the minus strand). VCF-style: chr2-181548819-C-T. GRCh37 (hg19) VCF-style: chr2-182413546-C-T.
Other names: c.1012G>A, p.Ala338Thr (NM_001030311.3); c.595G>A, p.Ala199Thr (NM_001030312.3); c.727G>A, p.Ala243Thr (NM_001030313.3); c.*216G>A (NM_001030314.1, NM_001030315.1); c.880G>A, p.Ala294Thr (NM_001160277.2); short protein forms A294T, A199T, A338T, A243T, A312T.
Identifiers: ClinVar variation 2157327 (VCV002157327.2), dbSNP rs190967171, ClinGen allele CA2010606.
Genomic context (GRCh38, chr2:181,548,819, plus strand): 5'-CCAAAGTTCTTCCACCAAAGCCAAACATGGCTGAGAACCCAAAGCGAAGAAGCTTGCCAG[C>T]GGTGCTGAAGGTGCAGACGTCGACCAGCTGTACATGCCCTTGAATATTACATTAAATATT-3'
Protein context (NP_963842.1, residues 302-322): QLVDVCTFST[Ala312Thr]GKLLRFGFSA

ClinVar aggregate classification (germline): Uncertain significance. Review status: criteria provided, multiple submitters, no conflicts (2 of 4 stars). 2 submissions from 2 submitters: Uncertain significance (2). Last evaluated 2023-11-02.

Allele frequency attached by ClinVar (database versions not stated): ExAC 0.00001; gnomAD 0.00001; 1000 Genomes Project 30x 0.00016; 1000 Genomes Project 0.00020.
gnomAD v4.1: 8 of 1,614,026 alleles (0.0005%); highest among the groups gnomAD compares: South Asian, 0.0055%; no homozygotes.

Submissions (2):

Blueprint Genetics
Classification: Uncertain significance. Last evaluated: 2023-11-02. Review status: criteria provided, single submitter. Criteria: ACMG Guidelines, 2015. Collection method: clinical testing. Allele origin: germline.

Labcorp Genetics (formerly Invitae), Labcorp
Classification: Uncertain significance. Last evaluated: 2022-08-10. Review status: criteria provided, single submitter. Criteria: Invitae Variant Classification Sherloc (09022015). Collection method: clinical testing. Allele origin: germline.
Comment: This sequence change replaces alanine, which is neutral and non-polar, with threonine, which is neutral and polar, at codon 338 of the CERKL protein (p.Ala338Thr). This variant is present in population databases (rs190967171, gnomAD 0.01%). This variant has not been reported in the literature in individuals affected with CERKL-related conditions. Algorithms developed to predict the effect of missense changes on protein structure and function output the following: SIFT: "Tolerated"; PolyPhen-2: "Benign"; Align-GVGD: "Class C0". The threonine amino acid residue is found in multiple mammalian species, which suggests that this missense change does not adversely affect protein function. In summary, the available evidence is currently insufficient to determine the role of this variant in disease. Therefore, it has been classified as a Variant of Uncertain Significance.